The following is an entry in ClinVar:

ClinVar aggregate classification (germline): Likely pathogenic (1 of 4 stars; one submission).

Submission:

Labcorp Genetics (formerly Invitae), Labcorp
Classification: Likely pathogenic. Last evaluated: 2025-10-21. Review status: criteria provided, single submitter. Criteria: Invitae Variant Classification Sherloc (09022015). Collection method: clinical testing. Allele origin: germline.
Comment: This sequence change replaces tryptophan, which is neutral and slightly polar, with arginine, which is basic and polar, at codon 129 of the EBP protein (p.Trp129Arg). This variant is not present in population databases (gnomAD no frequency). This missense change has been observed in individual(s) with chondrodysplasia punctata (internal data). ClinVar contains an entry for this variant (Variation ID: 2833708). Invitae Evidence Modeling of protein sequence and biophysical properties (such as structural, functional, and spatial information, amino acid conservation, physicochemical variation, residue mobility, and thermodynamic stability) indicates that this missense variant is expected to disrupt EBP protein function with a positive predictive value of 95%. In summary, the currently available evidence indicates that the variant is pathogenic, but additional data are needed to prove that conclusively. Therefore, this variant has been classified as Likely Pathogenic.

NM_006579.3(EBP):c.385T>C (p.Trp129Arg)

Gene: EBP (EBP cholestenol delta-isomerase; plus strand). Cytogenetic location: Xp11.23.
Variant type: single nucleotide variant.
Coding change: c.385T>C on transcript NM_006579.3 (MANE Select); coding-DNA position 385, T replaced by C.
Protein change: p.Trp129Arg; replaces tryptophan 129 with arginine.
Molecular consequence: missense variant.
Genome position (GRCh38, 1-based): chrX:48,527,201, T>C. VCF-style: chrX-48527201-T-C. GRCh37 (hg19) VCF-style: chrX-48385589-T-C.
Other names: short protein forms W129R.
Identifiers: ClinVar variation 2833708 (VCV002833708.3), dbSNP rs2519111356, ClinGen allele CA412852447.